The following is an entry in ClinVar:

NM_033026.6(PCLO):c.3794T>G (p.Leu1265Arg)

Gene: PCLO (piccolo presynaptic cytomatrix protein; minus strand). Cytogenetic location: 7q21.11.
Variant type: single nucleotide variant.
Coding change: c.3794T>G on transcript NM_033026.6 (MANE Select); coding-DNA position 3794, T replaced by G.
Protein change: p.Leu1265Arg; replaces leucine 1265 with arginine.
Molecular consequence: missense variant.
Genome position (GRCh38, 1-based): chr7:82,965,994, A>C on the plus strand (T>G on the coding strand, the complement: PCLO is on the minus strand). VCF-style: chr7-82965994-A-C. GRCh37 (hg19) VCF-style: chr7-82595310-A-C.
Other names: c.3794T>G (NM_033026.5); c.3794T>G, p.Leu1265Arg (NM_014510.3); short protein forms L1265R.
Identifiers: ClinVar variation 3677498 (VCV003677498.4).

ClinVar aggregate classification (germline): Uncertain significance. Review status: criteria provided, multiple submitters, no conflicts (2 of 4 stars). 3 submissions from 3 submitters: Uncertain significance (3). Last evaluated 2025-09-12.

Conditions:
Inborn genetic diseases. Identifiers: MedGen C0950123, MeSH D030342.
PCLO-related disorder. Also called: PCLO-related condition.

gnomAD v4.1: 33 of 1,613,718 alleles (0.002%); highest among the groups gnomAD compares: South Asian, 0.032%; no homozygotes.

Submissions (3):

PreventionGenetics, part of Exact Sciences
Classification: Uncertain significance for PCLO-related condition. Last evaluated: 2025-09-12. Review status: criteria provided, single submitter. Criteria: ACMG Guidelines, 2015. Collection method: clinical testing. Allele origin: germline.
Comment: The PCLO c.3794T>G variant is predicted to result in the amino acid substitution p.Leu1265Arg. To our knowledge, this variant has not been reported in the literature. This variant is reported in 0.049% of alleles in individuals of South Asian descent in gnomAD. At this time, the clinical significance of this variant is uncertain due to the absence of conclusive functional and genetic evidence.

Labcorp Genetics (formerly Invitae), Labcorp
Classification: Uncertain significance. Last evaluated: 2025-03-13. Review status: criteria provided, single submitter. Criteria: Invitae Variant Classification Sherloc (09022015). Collection method: clinical testing. Allele origin: germline.
Comment: This sequence change replaces leucine, which is neutral and non-polar, with arginine, which is basic and polar, at codon 1265 of the PCLO protein (p.Leu1265Arg). This variant is present in population databases (rs549171022, gnomAD 0.05%). This variant has not been reported in the literature in individuals affected with PCLO-related conditions. Experimental studies and prediction algorithms are not available or were not evaluated, and the functional significance of this variant is currently unknown. In summary, the available evidence is currently insufficient to determine the role of this variant in disease. Therefore, it has been classified as a Variant of Uncertain Significance.

Ambry Genetics
Classification: Uncertain significance for Inborn genetic diseases. Last evaluated: 2025-01-17. Review status: criteria provided, single submitter. Criteria: Ambry Variant Classification Scheme 2023. Collection method: clinical testing. Allele origin: germline.